The following is an entry in ClinVar:

ClinVar aggregate classification (germline): Uncertain significance (1 of 4 stars; one submission).

Submission:

GeneDx
Classification: Uncertain significance. Last evaluated: 2021-11-01. Review status: criteria provided, single submitter. Criteria: GeneDx Variant Classification Process June 2021. Collection method: clinical testing. Allele origin: germline. Affected: yes.
Comment: Has not been previously published as pathogenic or benign to our knowledge; Not observed at significant frequency in large population cohorts (gnomAD); In silico analysis supports that this missense variant has a deleterious effect on protein structure/function; Although located in a calcium-binding EGF-like domain of the FBN1 gene, it does not affect a cysteine residue within this domain; cysteine substitutions in the calcium-binding EGF-like domains represent the majority of pathogenic missense changes associated with FBN1-related disorders (Collod-Beroud et al., 2003)

NM_000138.5(FBN1):c.5734T>C (p.Phe1912Leu)

Gene: FBN1 (fibrillin 1; minus strand). Cytogenetic location: 15q21.1.
Variant type: single nucleotide variant.
Coding change: c.5734T>C on transcript NM_000138.5 (MANE Select); coding-DNA position 5734, T replaced by C.
Protein change: p.Phe1912Leu; replaces phenylalanine 1912 with leucine.
Molecular consequence: missense variant.
Genome position (GRCh38, 1-based): chr15:48,446,760, A>G on the plus strand (T>C on the coding strand, the complement: FBN1 is on the minus strand). VCF-style: chr15-48446760-A-G. GRCh37 (hg19) VCF-style: chr15-48738957-A-G.
Other names: short protein forms F1912L.
Identifiers: ClinVar variation 1683888 (VCV001683888.2), dbSNP rs2141250347, ClinGen allele CA392341234.